The following is an entry in ClinVar:

NM_016562.4(TLR7):c.1479G>C (p.Lys493Asn)

Gene: TLR7 (toll like receptor 7; plus strand). Cytogenetic location: Xp22.2.
Variant type: single nucleotide variant.
Coding change: c.1479G>C on transcript NM_016562.4 (MANE Select); coding-DNA position 1479, G replaced by C.
Protein change: p.Lys493Asn; replaces lysine 493 with asparagine.
Molecular consequence: missense variant.
Genome position (GRCh38, 1-based): chrX:12,886,987, G>C. VCF-style: chrX-12886987-G-C. GRCh37 (hg19) VCF-style: chrX-12905106-G-C.
Other names: short protein forms K493N.
Identifiers: ClinVar variation 2794257 (VCV002794257.1), dbSNP rs2042914125, ClinGen allele CA412407746.
Genomic context (GRCh38, chrX:12,886,987, plus strand): 5'-GAGTTGCAGATTCAAAAACAAAGAGGCTTCTTTCATGTCTGTTAATGAAAGCTGCTACAA[G>C]TATGGGCAGACCTTGGATCTAAGTAAAAATAGTATATTTTTTGTCAAGTCCTCTGATTTT-3'
Protein context (NP_057646.1, residues 483-503): SFMSVNESCY[Lys493Asn]YGQTLDLSKN

ClinVar aggregate classification (germline): Uncertain significance (1 of 4 stars; one submission).

gnomAD v4.1: 18 of 1,211,738 alleles (0.0015%); highest among the groups gnomAD compares: Non-Finnish European, 0.002%; no homozygotes.

Submission:

Labcorp Genetics (formerly Invitae), Labcorp
Classification: Uncertain significance. Last evaluated: 2024-01-08. Review status: criteria provided, single submitter. Criteria: Invitae Variant Classification Sherloc (09022015). Collection method: clinical testing. Allele origin: germline.
Comment: This sequence change replaces lysine, which is basic and polar, with asparagine, which is neutral and polar, at codon 493 of the TLR7 protein (p.Lys493Asn). This variant is not present in population databases (gnomAD no frequency). This variant has not been reported in the literature in individuals affected with TLR7-related conditions. Algorithms developed to predict the effect of missense changes on protein structure and function output the following: SIFT: "Not Available"; PolyPhen-2: "Benign"; Align-GVGD: "Not Available". The asparagine amino acid residue is found in multiple mammalian species, which suggests that this missense change does not adversely affect protein function. In summary, the available evidence is currently insufficient to determine the role of this variant in disease. Therefore, it has been classified as a Variant of Uncertain Significance.